The following is an entry in ClinVar:

ClinVar aggregate classification (germline): Likely benign (0 of 4 stars; one submission).

Conditions:
KLF7-related disorder.

Allele frequency attached by ClinVar (database versions not stated): ESP Exome Variant Server 0.00008; ExAC 0.00009; TOPMed 0.00010; gnomAD 0.00015; gnomAD exomes 0.00015; 1000 Genomes Project 0.00060; 1000 Genomes Project 30x 0.00062.
gnomAD v4.1: 235 of 1,614,162 alleles (0.015%); highest among the groups gnomAD compares: Admixed American, 0.018%; no homozygotes.

Submission:

PreventionGenetics, part of Exact Sciences
Classification: Likely benign for KLF7-related condition. Last evaluated: 2020-01-13. Review status: no assertion criteria provided. Collection method: clinical testing. Allele origin: germline.
Comment: This variant is classified as likely benign based on ACMG/AMP sequence variant interpretation guidelines (Richards et al. 2015 PMID: 25741868, with internal and published modifications).

NM_003709.4(KLF7):c.372C>T (p.Ala124=)

Gene: KLF7 (KLF transcription factor 7; minus strand). Cytogenetic location: 2q33.3.
Variant type: single nucleotide variant.
Coding change: c.372C>T on transcript NM_003709.4 (MANE Select); coding-DNA position 372, C replaced by T.
Protein change: p.Ala124=; no amino-acid change (alanine 124 retained).
Molecular consequence: synonymous variant.
Genome position (GRCh38, 1-based): chr2:207,124,135, G>A on the plus strand (C>T on the coding strand, the complement: KLF7 is on the minus strand). VCF-style: chr2-207124135-G-A. GRCh37 (hg19) VCF-style: chr2-207988859-G-A.
Other names: c.372C>T, p.Ala124= (NM_001270942.1); c.273C>T, p.Ala91= (NM_001270943.2); c.288C>T, p.Ala96= (NM_001270944.2).
Identifiers: ClinVar variation 3051378 (VCV003051378.2), dbSNP rs149924747, ClinGen allele CA2075868.
Genomic context (GRCh38, chr2:207,124,135, plus strand): 5'-GAGCTCAGGGGACGATGGGGGCGTTAATGAGGTCACTGCGTTGAGCTGGGCCTGGTTGAC[G>A]GCTGTGTAGCTGTCTAGAGAAGAGCTGGCCGGCTGGAGGCTGAGGCAGGTCTCAGATAGC-3'
Protein context (NP_003700.1, residues 114-134): PASSSLDSYT[Ala124=]VNQAQLNAVT